The following is an entry in ClinVar:

NM_000222.3(KIT):c.1190C>T (p.Ser397Phe)

Gene: KIT (KIT proto-oncogene, receptor tyrosine kinase; plus strand). Cytogenetic location: 4q12.
Variant type: single nucleotide variant.
Coding change: c.1190C>T on transcript NM_000222.3 (MANE Select); coding-DNA position 1190, C replaced by T.
Protein change: p.Ser397Phe; replaces serine 397 with phenylalanine.
Molecular consequence: missense variant.
Genome position (GRCh38, 1-based): chr4:54,709,498, C>T. VCF-style: chr4-54709498-C-T. GRCh37 (hg19) VCF-style: chr4-55575664-C-T.
Other names: c.1190C>T (NM_000222.2); c.1190C>T, p.Ser397Phe (NM_001093772.2, NM_001385285.1, NM_001385286.1); c.1193C>T, p.Ser398Phe (NM_001385284.1, NM_001385288.1, NM_001385290.1 and 1 more transcripts); short protein forms S398F, S397F.
Identifiers: ClinVar variation 1426345 (VCV001426345.4), dbSNP rs2109714289, ClinGen allele CA356902475.

ClinVar aggregate classification (germline): Uncertain significance. Review status: criteria provided, multiple submitters, no conflicts (2 of 4 stars). 2 submissions from 2 submitters: Uncertain significance (2). Last evaluated 2025-06-17.

Conditions:
Gastrointestinal stromal tumor. Also called: Gastrointestinal stroma tumor; Gastrointestinal stromal tumor, somatic. Identifiers: Orphanet 44890, MedGen C0238198, MeSH D046152, MONDO:0011719, OMIM 606764, HP:0100723.
Hereditary cancer-predisposing syndrome. Also called: Tumor predisposition; Hereditary Cancer Syndrome; Hereditary neoplastic syndrome; Neoplastic Syndromes, Hereditary. Identifiers: Orphanet 140162, MedGen C0027672, MeSH D009386, MONDO:0015356.

Submissions (2):

Ambry Genetics
Classification: Uncertain significance for Hereditary cancer-predisposing syndrome. Last evaluated: 2025-06-17. Review status: criteria provided, single submitter. Criteria: Ambry Variant Classification Scheme 2023. Collection method: clinical testing. Allele origin: germline.
Comment: The p.S397F variant (also known as c.1190C>T), located in coding exon 7 of the KIT gene, results from a C to T substitution at nucleotide position 1190. The serine at codon 397 is replaced by phenylalanine, an amino acid with highly dissimilar properties. This amino acid position is well conserved in available vertebrate species. In addition, this alteration is predicted to be tolerated by in silico analysis. Based on the available evidence, the clinical significance of this variant remains unclear.

Labcorp Genetics (formerly Invitae), Labcorp
Classification: Uncertain significance for Gastrointestinal stromal tumor. Last evaluated: 2021-10-23. Review status: criteria provided, single submitter. Criteria: Invitae Variant Classification Sherloc (09022015). Collection method: clinical testing. Allele origin: germline.
Comment: This sequence change replaces serine with phenylalanine at codon 397 of the KIT protein (p.Ser397Phe). The serine residue is highly conserved and there is a large physicochemical difference between serine and phenylalanine. This variant is not present in population databases (ExAC no frequency). This variant has not been reported in the literature in individuals affected with KIT-related conditions. Algorithms developed to predict the effect of missense changes on protein structure and function are either unavailable or do not agree on the potential impact of this missense change (SIFT: "Deleterious"; PolyPhen-2: "Possibly Damaging"; Align-GVGD: "Class C0"). In summary, the available evidence is currently insufficient to determine the role of this variant in disease. Therefore, it has been classified as a Variant of Uncertain Significance.